The following is an entry in ClinVar:

NM_000179.3(MSH6):c.1618C>A (p.Leu540Ile)

Gene: MSH6 (mutS homolog 6; plus strand). Cytogenetic location: 2p16.3.
Variant type: single nucleotide variant.
Coding change: c.1618C>A on transcript NM_000179.3 (MANE Select); coding-DNA position 1618, C replaced by A.
Protein change: p.Leu540Ile; replaces leucine 540 with isoleucine.
Molecular consequence: missense variant.
Genome position (GRCh38, 1-based): chr2:47,799,601, C>A. VCF-style: chr2-47799601-C-A. GRCh37 (hg19) VCF-style: chr2-48026740-C-A.
Other names: c.1228C>A, p.Leu410Ile (NM_001281492.2); c.712C>A, p.Leu238Ile (NM_001281493.2, NM_001281494.2); short protein forms L540I, L238I, L410I.
Identifiers: ClinVar variation 41589 (VCV000041589.25), dbSNP rs201996928, ClinGen allele CA008908.

ClinVar aggregate classification (germline): Uncertain significance. Review status: criteria provided, multiple submitters, no conflicts (2 of 4 stars). 7 submissions from 7 submitters: Uncertain significance (6). 1 of the submissions does not count toward it. Last evaluated 2025-02-03.

Conditions:
Hereditary nonpolyposis colorectal neoplasms. Identifiers: MedGen C0009405, MeSH D003123.
Hereditary cancer-predisposing syndrome. Also called: Hereditary neoplastic syndrome; Neoplastic Syndromes, Hereditary; Hereditary Cancer Syndrome; Tumor predisposition. Identifiers: Orphanet 140162, MedGen C0027672, MeSH D009386, MONDO:0015356.
Lynch syndrome. Identifiers: Orphanet 144, MedGen C4552100, MONDO:0005835. Disease mechanism: loss of function.

gnomAD v4.1: 3 of 1,614,148 alleles (0.00019%); highest among the groups gnomAD compares: Non-Finnish European, 0.00025%; no homozygotes.

Submissions (7):

Quest Diagnostics Nichols Institute San Juan Capistrano
Classification: Uncertain significance. Last evaluated: 2025-02-03. Review status: criteria provided, single submitter. Criteria: Quest Diagnostics criteria. Collection method: clinical testing. Allele origin: unknown.
Comment: The MSH6 c.1618C>A (p.Leu540Ile) variant has not been reported in the published literature in individuals with Lynch syndrome. The frequency of this variant in the general population (Genome Aggregation Database) is uninformative in the assessment of its pathogenicity. Analysis of this variant using bioinformatics tools for the prediction of the effect of amino acid changes on protein structure and function yielded conflicting predictions that this variant is benign or damaging. Based on the available information, we are unable to determine the clinical significance of this variant.

Ambry Genetics
Classification: Uncertain significance for Hereditary cancer-predisposing syndrome. Last evaluated: 2024-06-21. Review status: criteria provided, single submitter. Criteria: Ambry Variant Classification Scheme 2023. Collection method: clinical testing. Allele origin: germline.
Comment: The p.L540I variant (also known as c.1618C>A), located in coding exon 4 of the MSH6 gene, results from a C to A substitution at nucleotide position 1618. The leucine at codon 540 is replaced by isoleucine, an amino acid with highly similar properties. This alteration has been identified in a cohort of 572 atherosclerosis patients with no clinical history of cancer (Pinard A et al. Hum Mutat, 2016 12;37:1299-1307). This amino acid position is highly conserved in available vertebrate species. In addition, the in silico prediction for this alteration is inconclusive. Since supporting evidence is limited at this time, the clinical significance of this alteration remains unclear.

All of Us Research Program, National Institutes of Health
Classification: Uncertain significance for Lynch syndrome. Last evaluated: 2023-10-23. Review status: criteria provided, single submitter. Criteria: ACMG Guidelines, 2015. Collection method: clinical testing. Allele origin: germline. Inheritance: Autosomal dominant inheritance. Observed: 1 variant allele, 1 heterozygote.
Comment: This missense variant replaces leucine with isoleucine at codon 540 of the MSH6 protein. Computational prediction is inconclusive regarding the impact of this variant on protein structure and function (internally defined REVEL score threshold 0.5 < inconclusive < 0.7, PMID: 27666373). Splice site prediction tools suggest that this variant may not impact RNA splicing. To our knowledge, functional studies have not been reported for this variant. This variant has not been reported in individuals affected with hereditary cancer in the literature. This variant has been identified in 2/251312 chromosomes in the general population by the Genome Aggregation Database (gnomAD). The available evidence is insufficient to determine the role of this variant in disease conclusively. Therefore, this variant is classified as a Variant of Uncertain Significance.

This study involves interpretation of variants in research participants for the purpose of population health screening. Participant phenotype was not available at the time of variant classification. Additional details can be found in publication PMID: 35346344, PMCID: PMC8962531

Color Diagnostics, LLC DBA Color Health
Classification: Uncertain significance for Hereditary cancer-predisposing syndrome. Last evaluated: 2023-10-05. Review status: criteria provided, single submitter. Criteria: ACMG Guidelines, 2015. Collection method: clinical testing. Allele origin: germline.
Comment: This missense variant replaces leucine with isoleucine at codon 540 of the MSH6 protein. Computational prediction is inconclusive regarding the impact of this variant on protein structure and function (internally defined REVEL score threshold 0.5 < inconclusive < 0.7, PMID: 27666373). To our knowledge, functional studies have not been reported for this variant. This variant has not been reported in individuals affected with MSH6-related disorders in the literature. This variant has been identified in 2/251312 chromosomes in the general population by the Genome Aggregation Database (gnomAD). The available evidence is insufficient to determine the role of this variant in disease conclusively. Therefore, this variant is classified as a Variant of Uncertain Significance.

GeneDx
Classification: Uncertain significance. Last evaluated: 2022-12-10. Review status: criteria provided, single submitter. Criteria: GeneDx Variant Classification Process June 2021. Collection method: clinical testing. Allele origin: germline. Affected: yes.
Comment: Not observed at significant frequency in large population cohorts (gnomAD); In silico analysis supports that this missense variant does not alter protein structure/function; Has not been previously published as pathogenic or benign to our knowledge; This variant is associated with the following publications: (PMID: 17531815, 21120944, 22703879)

Labcorp Genetics (formerly Invitae), Labcorp
Classification: Uncertain significance for Hereditary nonpolyposis colorectal neoplasms. Last evaluated: 2021-05-16. Review status: criteria provided, single submitter. Criteria: Invitae Variant Classification Sherloc (09022015). Collection method: clinical testing. Allele origin: germline.
Comment: This sequence change replaces leucine with isoleucine at codon 540 of the MSH6 protein (p.Leu540Ile). The leucine residue is highly conserved and there is a small physicochemical difference between leucine and isoleucine. In summary, the available evidence is currently insufficient to determine the role of this variant in disease. Therefore, it has been classified as a Variant of Uncertain Significance. Algorithms developed to predict the effect of missense changes on protein structure and function do not agree on the potential impact of this missense change (SIFT: "Deleterious"; PolyPhen-2: "Probably Damaging"; Align-GVGD: "Class C0"). This variant has not been reported in the literature in individuals with MSH6-related disease. ClinVar contains an entry for this variant (Variation ID: 41589). This variant is present in population databases (rs201996928, ExAC 0.003%).

Biesecker Lab/Clinical Genomics Section, National Institutes of Health
Classification: Uncertain significance. Last evaluated: 2012-07-13. Review status: no assertion criteria provided. Collection method: research. Allele origin: germline. Affected: no. Observed: 1 variant allele. Study: ClinSeq. Not counted in ClinVar's aggregate classification.
ClinVar note: Converted during submission from variant of unknown significance to Uncertain significance.

Literature cited by the submitters: PubMed 27600092 (cited by Ambry Genetics).